The following is an entry in ClinVar:

NM_001943.5(DSG2):c.811G>A (p.Val271Ile)

Gene: DSG2 (desmoglein 2; plus strand). Cytogenetic location: 18q12.1.
Variant type: single nucleotide variant.
Coding change: c.811G>A on transcript NM_001943.5 (MANE Select); coding-DNA position 811, G replaced by A.
Protein change: p.Val271Ile; replaces valine 271 with isoleucine.
Molecular consequence: missense variant.
Genome position (GRCh38, 1-based): chr18:31,524,568, G>A. VCF-style: chr18-31524568-G-A. GRCh37 (hg19) VCF-style: chr18-29104531-G-A.
Other names: short protein forms V271I.
Identifiers: ClinVar variation 4756207 (VCV004756207.1).

ClinVar aggregate classification (germline): Uncertain significance (1 of 4 stars; one submission).

Conditions:
Cardiomyopathy (CMYO). Also called: Cardiomyopathies. Identifiers: Orphanet 167848, MedGen C0878544, MONDO:0004994, HP:0001638. Inheritance: Various modes of inheritance.

Submission:

Color Diagnostics, LLC DBA Color Health
Classification: Uncertain significance for Cardiomyopathy. Last evaluated: 2025-08-17. Review status: criteria provided, single submitter. Criteria: ACMG Guidelines, 2015. Collection method: clinical testing. Allele origin: germline.
Comment: This missense variant replaces valine with isoleucine at codon 271 of the DSG2 protein. Computational prediction suggests that this variant may not impact protein structure and function. To our knowledge, functional studies have not been reported for this variant. This variant has not been reported in individuals affected with DSG2-related disorders in the literature. This variant has not been identified in the general population by the Genome Aggregation Database (gnomAD). The available evidence is insufficient to determine the role of this variant in disease conclusively. Therefore, this variant is classified as a Variant of Uncertain Significance.